The following is an entry in ClinVar:

ClinVar aggregate classification (germline): Likely benign. Review status: criteria provided, multiple submitters, no conflicts (2 of 4 stars). 2 submissions from 2 submitters: Likely benign (2). Last evaluated 2025-12-03.

Allele frequency attached by ClinVar (database versions not stated): gnomAD 0.00004 and 0.00005; gnomAD exomes 0.00005 and 0.00007; ExAC 0.00006; TOPMed 0.00006; ESP Exome Variant Server 0.00008.
gnomAD v4.1: 105 of 1,608,996 alleles (0.0065%); highest among the groups gnomAD compares: Non-Finnish European, 0.0083%; no homozygotes.

Submissions (2):

Labcorp Genetics (formerly Invitae), Labcorp
Classification: Likely benign. Last evaluated: 2025-12-03. Review status: criteria provided, single submitter. Criteria: Invitae Variant Classification Sherloc (09022015). Collection method: clinical testing. Allele origin: germline.

CeGaT Center for Human Genetics Tuebingen
Classification: Likely benign. Last evaluated: 2023-08-01. Review status: criteria provided, single submitter. Criteria: CeGaT Center For Human Genetics Tuebingen Variant Classification Criteria Version 2. Collection method: clinical testing. Allele origin: germline. Affected: yes. Observed: 1 variant allele.
Comment: STN1: BP4, BP7

NM_024928.5(STN1):c.198G>A (p.Val66=)

Gene: STN1 (STN1 subunit of CST complex; minus strand). Cytogenetic location: 10q24.33.
Variant type: single nucleotide variant.
Coding change: c.198G>A on transcript NM_024928.5 (MANE Select); coding-DNA position 198, G replaced by A.
Protein change: p.Val66=; no amino-acid change (valine 66 retained).
Molecular consequence: synonymous variant.
Genome position (GRCh38, 1-based): chr10:103,910,558, C>T on the plus strand (G>A on the coding strand, the complement: STN1 is on the minus strand). VCF-style: chr10-103910558-C-T. GRCh37 (hg19) VCF-style: chr10-105670316-C-T.
Identifiers: ClinVar variation 1583684 (VCV001583684.32), dbSNP rs142324091, ClinGen allele CA5676711.